The following is an entry in ClinVar:

NM_003995.4(NPR2):c.2341C>T (p.Gln781Ter)

Gene: NPR2 (natriuretic peptide receptor 2; plus strand). Cytogenetic location: 9p13.3.
Variant type: single nucleotide variant.
Coding change: c.2341C>T on transcript NM_003995.4 (MANE Select); coding-DNA position 2341, C replaced by T.
Protein change: p.Gln781Ter; replaces glutamine 781 with a stop codon.
Molecular consequence: nonsense.
Genome position (GRCh38, 1-based): chr9:35,806,202, C>T. VCF-style: chr9-35806202-C-T. GRCh37 (hg19) VCF-style: chr9-35806199-C-T.
Other names: c.2350C>T, p.Gln784Ter (NM_001378923.1); short protein forms Q784*, Q781*.
Identifiers: ClinVar variation 1459896 (VCV001459896.6), dbSNP rs768852284, ClinGen allele CA5051939.

ClinVar aggregate classification (germline): Pathogenic (1 of 4 stars; one submission).

Conditions:
Acromesomelic dysplasia 1, Maroteaux type (AMD1). Also called: ST. HELENA DYSPLASIA; ACROMESOMELIC DYSPLASIA 1. Identifiers: Orphanet 40, MedGen C1864356, MONDO:0011275, OMIM 602875.
Tall stature-scoliosis-macrodactyly of the great toes syndrome. Also called: Epiphyseal chondrodysplasia, miura type. Identifiers: Orphanet 329191, MedGen C4014690, MONDO:0014401, OMIM 615923.

Allele frequency attached by ClinVar (database versions not stated): gnomAD 0.00001; TOPMed 0.00001.
gnomAD v4.1: 8 of 1,614,092 alleles (0.0005%); highest among the groups gnomAD compares: Non-Finnish European, 0.00068%; no homozygotes.

Submission:

Labcorp Genetics (formerly Invitae), Labcorp
Classification: Pathogenic for Tall stature-scoliosis-macrodactyly of the great toes syndrome; Acromesomelic dysplasia 1, Maroteaux type. Last evaluated: 2025-03-17. Review status: criteria provided, single submitter. Criteria: Invitae Variant Classification Sherloc (09022015). Collection method: clinical testing. Allele origin: germline.
Comment: This sequence change creates a premature translational stop signal (p.Gln781*) in the NPR2 gene. It is expected to result in an absent or disrupted protein product. Loss-of-function variants in NPR2 are known to be pathogenic (PMID: 15146390, 15572448, 16384845). This variant is present in population databases (rs768852284, gnomAD 0.0009%). This variant has not been reported in the literature in individuals affected with NPR2-related conditions. ClinVar contains an entry for this variant (Variation ID: 1459896). For these reasons, this variant has been classified as Pathogenic.

Literature cited by the submitters: PubMed 15146390; PubMed 15572448; PubMed 16384845.